The following is an entry in ClinVar:

NM_001283009.2(RTEL1):c.127C>T (p.Pro43Ser)

Genes: RTEL1 (regulator of telomere elongation helicase 1; plus strand), RTEL1-TNFRSF6B (RTEL1-TNFRSF6B readthrough (NMD candidate); plus strand). Cytogenetic location: 20q13.33.
Variant type: single nucleotide variant.
Coding change: c.127C>T on transcript NM_001283009.2 (MANE Select); coding-DNA position 127, C replaced by T.
Protein change: p.Pro43Ser; replaces proline 43 with serine.
Molecular consequence: missense variant. On other transcripts: non-coding transcript variant (1), 5 prime UTR variant (1).
Genome position (GRCh38, 1-based): chr20:63,661,322, C>T. VCF-style: chr20-63661322-C-T. GRCh37 (hg19) VCF-style: chr20-62292675-C-T.
Other names: c.-543C>T (NM_001283010.1); c.127C>T, p.Pro43Ser (NM_016434.4, NM_032957.5); short protein forms P43S.
Identifiers: ClinVar variation 2948294 (VCV002948294.4), dbSNP rs2516992251, ClinGen allele CA409657733.

ClinVar aggregate classification (germline): Uncertain significance. Review status: criteria provided, multiple submitters, no conflicts (2 of 4 stars). 2 submissions from 2 submitters: Uncertain significance (2). Last evaluated 2026-07-18.

Conditions:
Inborn genetic diseases. Identifiers: MedGen C0950123, MeSH D030342.
Dyskeratosis congenita, autosomal recessive 5 (DKCB5). Identifiers: MedGen C3554656, MONDO:0014076, OMIM 615190.
Pulmonary fibrosis and/or bone marrow failure, Telomere-related, 3. Also called: PULMONARY FIBROSIS AND/OR BONE MARROW FAILURE SYNDROME, TELOMERE-RELATED, 3. Identifiers: Orphanet 2032, MedGen C4225346, MONDO:0014613, OMIM 616373.

Submissions (2):

Ambry Genetics
Classification: Uncertain significance for Inborn genetic diseases. Last evaluated: 2026-07-18. Review status: criteria provided, single submitter. Criteria: Ambry Variant Classification Scheme 2023. Collection method: clinical testing. Allele origin: germline.
Comment: The p.P43S variant (also known as c.127C>T), located in coding exon 2 of the RTEL1 gene, results from a C to T substitution at nucleotide position 127. The proline at codon 43 is replaced by serine, an amino acid with similar properties. This amino acid position is conserved. In addition, this alteration is predicted to be deleterious by in silico analysis. Based on the available evidence, the clinical significance of this variant remains unclear.

Labcorp Genetics (formerly Invitae), Labcorp
Classification: Uncertain significance for Dyskeratosis congenita, autosomal recessive 5; Pulmonary fibrosis and/or bone marrow failure, Telomere-related, 3. Last evaluated: 2023-05-27. Review status: criteria provided, single submitter. Criteria: Invitae Variant Classification Sherloc (09022015). Collection method: clinical testing. Allele origin: germline.
Comment: In summary, the available evidence is currently insufficient to determine the role of this variant in disease. Therefore, it has been classified as a Variant of Uncertain Significance. An algorithm developed to predict the effect of missense changes on protein structure and function (PolyPhen-2) suggests that this variant is likely to be disruptive. This variant has not been reported in the literature in individuals affected with RTEL1-related conditions. This variant is not present in population databases (gnomAD no frequency). This sequence change replaces proline, which is neutral and non-polar, with serine, which is neutral and polar, at codon 43 of the RTEL1 protein (p.Pro43Ser).